The following is an entry in ClinVar:

ClinVar aggregate classification (germline): Uncertain significance (1 of 4 stars; one submission).

Conditions:
Koolen-de Vries syndrome (KDVS). Identifiers: Orphanet 96169, MedGen C1864871, MONDO:0012496, OMIM 610443.

Allele frequency attached by ClinVar (database versions not stated): TOPMed 0.00001.
gnomAD v4.1: 1 of 1,574,738 alleles (0.000064%); highest among the groups gnomAD compares: African/African-American, 0.0014%; no homozygotes.

Submission:

Labcorp Genetics (formerly Invitae), Labcorp
Classification: Uncertain significance for Koolen-de Vries syndrome. Last evaluated: 2021-09-17. Review status: criteria provided, single submitter. Criteria: Invitae Variant Classification Sherloc (09022015). Collection method: clinical testing. Allele origin: germline.
Comment: Due to the possible presence of a polymorphic segmental duplication, the location of the variant could not be unambiguously resolved. Variants with ambiguous mapping are still reported relative to the KANSL1 transcript. This sequence change replaces serine with proline at codon 175 of the KANSL1 protein (p.Ser175Pro). The serine residue is moderately conserved and there is a moderate physicochemical difference between serine and proline. The frequency data for this variant in the population databases (ExAC) is considered unreliable due to the presence of homologous sequence, such as pseudogenes or paralogs, in the genome. This variant has not been reported in the literature in individuals with KANSL1-related conditions. Algorithms developed to predict the effect of missense changes on protein structure and function output the following: SIFT: "Tolerated"; PolyPhen-2: "Benign"; Align-GVGD: "Class C0". The proline amino acid residue is found in multiple mammalian species, which suggests that this missense change does not adversely affect protein function. Until the location of this sequence change can be resolved, the clinical significance of this variant remains uncertain. It has been classified as a Variant of Uncertain Significance.

NM_015443.4(KANSL1):c.523T>C (p.Ser175Pro)

Gene: KANSL1 (KAT8 regulatory NSL complex subunit 1). Cytogenetic location: 17q21.31.
Variant type: single nucleotide variant.
Coding change: c.523T>C on transcript NM_015443.4 (MANE Select); coding-DNA position 523, T replaced by C.
Protein change: p.Ser175Pro; replaces serine 175 with proline.
Molecular consequence: missense variant.
Genome position (GRCh38, 1-based): chr17:46,171,621, A>G on the plus strand (T>C on the coding strand, the complement: KANSL1 is on the minus strand). VCF-style: chr17-46171621-A-G. GRCh37 (hg19) VCF-style: chr17-44248987-A-G.
Other names: c.523T>C, p.Ser175Pro (NM_001193465.2, NM_001193466.2, NM_001379198.1); short protein forms S175P.
Identifiers: ClinVar variation 1492647 (VCV001492647.5), dbSNP rs757028302, ClinGen allele CA399981675.